The following is an entry in ClinVar:

NM_006280.3(SSR4):c.409G>A (p.Asp137Asn)

Gene: SSR4 (signal sequence receptor subunit 4; plus strand). Cytogenetic location: Xq28.
Variant type: single nucleotide variant.
Coding change: c.409G>A on transcript NM_006280.3 (MANE Select); coding-DNA position 409, G replaced by A.
Protein change: p.Asp137Asn; replaces aspartic acid 137 with asparagine.
Molecular consequence: missense variant.
Genome position (GRCh38, 1-based): chrX:153,798,128, G>A. VCF-style: chrX-153798128-G-A. GRCh37 (hg19) VCF-style: chrX-153063583-G-A.
Other names: c.442G>A, p.Asp148Asn (NM_001204526.2); c.433G>A, p.Asp145Asn (NM_001204527.2); short protein forms D137N, D145N, D148N.
Identifiers: ClinVar variation 1717025 (VCV001717025.5), dbSNP rs2520535294, ClinGen allele CA415187104.

ClinVar aggregate classification (germline): Uncertain significance (1 of 4 stars; one submission).

Allele frequency attached by ClinVar (database versions not stated): gnomAD exomes below 0.00001.
gnomAD v4.1: 1 of 1,211,360 alleles (0.000083%); highest among the groups gnomAD compares: Non-Finnish European, 0.00011%; no homozygotes.

Submission:

Labcorp Genetics (formerly Invitae), Labcorp
Classification: Uncertain significance. Last evaluated: 2022-08-20. Review status: criteria provided, single submitter. Criteria: Invitae Variant Classification Sherloc (09022015). Collection method: clinical testing. Allele origin: germline.
Comment: This sequence change replaces aspartic acid, which is acidic and polar, with asparagine, which is neutral and polar, at codon 148 of the SSR4 protein (p.Asp148Asn). This variant is not present in population databases (gnomAD no frequency). This variant has not been reported in the literature in individuals affected with SSR4-related conditions. Algorithms developed to predict the effect of missense changes on protein structure and function are either unavailable or do not agree on the potential impact of this missense change (SIFT: "Tolerated"; PolyPhen-2: "Not Available"; Align-GVGD: "Class C0"). In summary, the available evidence is currently insufficient to determine the role of this variant in disease. Therefore, it has been classified as a Variant of Uncertain Significance.